The following is an entry in ClinVar:

ClinVar aggregate classification (germline): Uncertain significance (1 of 4 stars; one submission).

Allele frequency attached by ClinVar (database versions not stated): gnomAD exomes below 0.00001.
gnomAD v4.1: 1 of 1,614,010 alleles (0.000062%); highest among the groups gnomAD compares: Non-Finnish European, 0.000085%; no homozygotes.

Submission:

Labcorp Genetics (formerly Invitae), Labcorp
Classification: Uncertain significance. Last evaluated: 2025-10-27. Review status: criteria provided, single submitter. Criteria: Invitae Variant Classification Sherloc (09022015). Collection method: clinical testing. Allele origin: germline.
Comment: This sequence change replaces leucine, which is neutral and non-polar, with phenylalanine, which is neutral and non-polar, at codon 254 of the UBA5 protein (p.Leu254Phe). This variant is not present in population databases (gnomAD no frequency). This variant has not been reported in the literature in individuals affected with UBA5-related conditions. ClinVar contains an entry for this variant (Variation ID: 1362856). Invitae Evidence Modeling of protein sequence and biophysical properties (such as structural, functional, and spatial information, amino acid conservation, physicochemical variation, residue mobility, and thermodynamic stability) indicates that this missense variant is expected to disrupt UBA5 protein function with a positive predictive value of 80%. In summary, the available evidence is currently insufficient to determine the role of this variant in disease. Therefore, it has been classified as a Variant of Uncertain Significance.

NM_024818.6(UBA5):c.760C>T (p.Leu254Phe)

Genes: NPHP3-ACAD11 (NPHP3-ACAD11 readthrough (NMD candidate); minus strand), UBA5 (ubiquitin like modifier activating enzyme 5; plus strand). Cytogenetic location: 3q22.1.
Variant type: single nucleotide variant.
Coding change: c.760C>T on transcript NM_024818.6 (MANE Select); coding-DNA position 760, C replaced by T.
Protein change: p.Leu254Phe; replaces leucine 254 with phenylalanine.
Molecular consequence: missense variant.
Genome position (GRCh38, 1-based): chr3:132,672,125, C>T. VCF-style: chr3-132672125-C-T. GRCh37 (hg19) VCF-style: chr3-132390969-C-T.
Other names: c.592C>T, p.Leu198Phe (NM_001320210.2, NM_198329.4); c.490C>T, p.Leu164Phe (NM_001321238.2); c.424C>T, p.Leu142Phe (NM_001321239.1); short protein forms L198F, L254F, L164F, L142F.
Identifiers: ClinVar variation 1362856 (VCV001362856.6), dbSNP rs2107943722, ClinGen allele CA354574749.